The following is an entry in ClinVar:

NM_207122.2(EXT2):c.1211A>T (p.Lys404Ile)

Gene: EXT2 (exostosin glycosyltransferase 2; plus strand). Cytogenetic location: 11p11.2.
Variant type: single nucleotide variant.
Coding change: c.1211A>T on transcript NM_207122.2 (MANE Select); coding-DNA position 1211, A replaced by T.
Protein change: p.Lys404Ile; replaces lysine 404 with isoleucine.
Molecular consequence: missense variant. On other transcripts: intron variant (1).
Genome position (GRCh38, 1-based): chr11:44,171,648, A>T. VCF-style: chr11-44171648-A-T. GRCh37 (hg19) VCF-style: chr11-44193198-A-T.
Other names: c.1310A>T, p.Lys437Ile (NM_000401.3); c.1211A>T, p.Lys404Ile (NM_001389628.1, NM_001389630.1); c.1267-26A>T (NM_001178083.3); short protein forms K437I, K404I.
Identifiers: ClinVar variation 2700748 (VCV002700748.3), dbSNP rs2539664825, ClinGen allele CA380175251.
Genomic context (GRCh38, chr11:44,171,648, plus strand): 5'-AAACAGCATTATTTTCTTTATAGGCCCGGTGGTTCTGGGAAGCGTACTTCCAGTCAATTA[A>T]AGCCATTGCCCTGGCCACCCTGCAGATTATCAATGACCGGATCTATCCATATGCTGCCAT-3'
Protein context (NP_997005.1, residues 394-414): WFWEAYFQSI[Lys404Ile]AIALATLQII

ClinVar aggregate classification (germline): Uncertain significance (1 of 4 stars; one submission).

Conditions:
Exostoses, multiple, type 2 (EXT2). Also called: Hereditary Multiple Osteochondromatosis, Type II; EXOSTOSES, MULTIPLE, TYPE II. Identifiers: Orphanet 321, MedGen C1851413, MONDO:0007586, OMIM 133701.

Submission:

Labcorp Genetics (formerly Invitae), Labcorp
Classification: Uncertain significance for Exostoses, multiple, type 2. Last evaluated: 2023-12-04. Review status: criteria provided, single submitter. Criteria: Invitae Variant Classification Sherloc (09022015). Collection method: clinical testing. Allele origin: germline.
Comment: This sequence change replaces lysine, which is basic and polar, with isoleucine, which is neutral and non-polar, at codon 404 of the EXT2 protein (p.Lys404Ile). This variant is not present in population databases (gnomAD no frequency). This variant has not been reported in the literature in individuals affected with EXT2-related conditions. Advanced modeling of protein sequence and biophysical properties (such as structural, functional, and spatial information, amino acid conservation, physicochemical variation, residue mobility, and thermodynamic stability) performed at Invitae indicates that this missense variant is expected to disrupt EXT2 protein function with a positive predictive value of 80%. In summary, the available evidence is currently insufficient to determine the role of this variant in disease. Therefore, it has been classified as a Variant of Uncertain Significance.